The following is an entry in ClinVar:

ClinVar aggregate classification (germline): Uncertain significance (1 of 4 stars; one submission).

Conditions:
Symmetrical dyschromatosis of extremities (DSH). Also called: RETICULATE ACROPIGMENTATION OF DOHI; SYMMETRIC DYSCHROMATOSIS OF THE EXTREMITIES; Dyschromatosis symmetrica hereditaria; DYSCHROMATOSIS SYMMETRICA HEREDITARIA 1. Identifiers: Orphanet 41, MedGen C0406775, MONDO:0007483, OMIM 127400.
Aicardi-Goutieres syndrome 6 (AGS6). Identifiers: Orphanet 51, MedGen C3539013, MONDO:0014007, OMIM 615010.

Submission:

Labcorp Genetics (formerly Invitae), Labcorp
Classification: Uncertain significance for Aicardi-Goutieres syndrome 6; Symmetrical dyschromatosis of extremities. Last evaluated: 2021-10-02. Review status: criteria provided, single submitter. Criteria: Invitae Variant Classification Sherloc (09022015). Collection method: clinical testing. Allele origin: germline.
Comment: In summary, the available evidence is currently insufficient to determine the role of this variant in disease. Therefore, it has been classified as a Variant of Uncertain Significance. Variants that disrupt the consensus splice site are a relatively common cause of aberrant splicing (PMID: 17576681, 9536098). Algorithms developed to predict the effect of sequence changes on RNA splicing suggest that this variant may disrupt the consensus splice site. This variant has not been reported in the literature in individuals affected with ADAR-related conditions. This variant is not present in population databases (ExAC no frequency). This sequence change falls in intron 14 of the ADAR gene. It does not directly change the encoded amino acid sequence of the ADAR protein. It affects a nucleotide within the consensus splice site of the intron.

Literature cited by the submitters: PubMed 17576681; PubMed 9536098.

NM_001111.5(ADAR):c.3443+3A>T

Gene: ADAR (adenosine deaminase RNA specific; minus strand). Cytogenetic location: 1q21.3.
Variant type: single nucleotide variant.
Coding change: c.3443+3A>T on transcript NM_001111.5 (MANE Select); 3 bases into the intron after coding-DNA position 3443, A replaced by T.
Molecular consequence: intron variant.
Genome position (GRCh38, 1-based): chr1:154,585,214, T>A on the plus strand (A>T on the coding strand, the complement: ADAR is on the minus strand). VCF-style: chr1-154585214-T-A. GRCh37 (hg19) VCF-style: chr1-154557690-T-A.
Other names: c.2558+3A>T (NM_001365046.1, NM_001025107.3, NM_001365048.1 and 2 more transcripts); c.3470+3A>T (NM_001365045.1); c.2480+3A>T (NM_001365049.1); c.3308+3A>T (NM_015841.4); c.3365+3A>T (NM_015840.4).
Identifiers: ClinVar variation 1384206 (VCV001384206.6), dbSNP rs746915200, ClinGen allele CA2573130506.